The following is an entry in ClinVar:

ClinVar aggregate classification (germline): Conflicting classifications of pathogenicity. Review status: criteria provided, conflicting classifications (1 of 4 stars). 3 submissions from 3 submitters: Uncertain significance (1); Benign (1). 1 of the submissions does not count toward it. Last evaluated 2025-01-19.

Conditions:
Intellectual developmental disorder with speech delay, autism, and dysmorphic facies. Identifiers: MedGen C5231456, MONDO:0032864, OMIM 618672.
CNOT3-related disorder. Also called: CNOT3-related condition.

Submissions (3):

Labcorp Genetics (formerly Invitae), Labcorp
Classification: Benign. Last evaluated: 2025-01-19. Review status: criteria provided, single submitter. Criteria: Invitae Variant Classification Sherloc (09022015). Collection method: clinical testing. Allele origin: germline.

Servicio de Genética Del Instituto Nacional de Salud Del Niño, Ministerio de Salud
Classification: Uncertain significance for Intellectual developmental disorder with speech delay, autism, and dysmorphic facies. Last evaluated: 2024-11-18. Review status: criteria provided, single submitter. Criteria: ACMG Guidelines, 2015. Collection method: clinical testing. Allele origin: germline. Inheritance: Autosomal dominant inheritance.
Comment: The variant NM_014516.4:c.1186_1187insGCGGAG introduces an in-frame insertion of GCGGAG at codons 401 and 402, resulting in a duplication of glycine at these positions (p.Gly401_Gly402dup). This in-frame duplication could alter the protein's function or stability, but the exact clinical impact remains unclear. Based on PM4 (evidence of a pathogenic mechanism related to the type of mutation), this variant is classified as uncertain significance

PreventionGenetics, part of Exact Sciences
Classification: Benign for CNOT3-related condition. Last evaluated: 2023-04-19. Review status: no assertion criteria provided. Collection method: clinical testing. Allele origin: germline. Not counted in ClinVar's aggregate classification.
Comment: This variant is classified as benign based on ACMG/AMP sequence variant interpretation guidelines (Richards et al. 2015 PMID: 25741868, with internal and published modifications).

NM_014516.4(CNOT3):c.1191AGGCGG[3] (p.Gly402_Ser403insGlyGly)

Gene: CNOT3 (CCR4-NOT transcription complex subunit 3; plus strand). Cytogenetic location: 19q13.42.
Variant type: Microsatellite.
Coding change: c.1191AGGCGG[3] on transcript NM_014516.4 (MANE Select); three copies in a row of the 6-base unit AGGCGG starting at c.1191; the reference has two copies in a row; one copy, 6 bases duplicated.
Protein change: p.Gly402_Ser403insGlyGly.
Genome position (GRCh38, 1-based): chr19:54,148,450-54,148,455, AGGCGG duplicated; duplicating any 6 consecutive bases within chr19:54,148,440-54,148,455 gives the same sequence; the position shown is the placement nearest the transcript's 3' end. VCF-style (leftmost placement, unchanged base first): chr19-54148439-A-AGCGGAG. GRCh37 (hg19) VCF-style: chr19-54652174-A-AGCGGAG.
Other names: c.1186_1187insGCGGAG (NM_014516.4).
Identifiers: ClinVar variation 3048634 (VCV003048634.6), dbSNP rs771212010, ClinGen allele CA309339623.
Genomic context (GRCh38, chr19:54,148,439, plus strand): 5'-GCCCCACCAGCTCCCAGTGGGCCCAGCACGACCCAGCCCCGGCCCCCCAGCGTCCAGCCT[A>AGCGGAG]GCGGAGGCGGAGGCGGCGGCAGCGGAGGCGGAGGGAGCAGCAGCAGTAGTAACAGCAGTG-3'